The following is an entry in ClinVar:

ClinVar aggregate classification (germline): not provided. Review status: no classification provided (0 of 4 stars). 3 submissions from 1 submitter: not provided (3).

Conditions:
Preeclampsia. Identifiers: Orphanet 275555, MedGen C0032914, MONDO:0005081, HP:0100602.
Small for gestational age. Also called: Low birth weight. Identifiers: MedGen C0235991, HP:0001518.
Gestational diabetes mellitus uncontrolled. Identifiers: MedGen C3532257.

Submissions (3):

Institute of Molecular and Cell Biology, University of Tartu
No classification provided. Condition: Small for gestational age. Review status: no classification provided. Collection method: case-control. Allele origin: unknown. Affected: yes. Study: Kasak2014.
Comment: The study aimed to determine the contribution of copy number variants in the genetic etiology of normal and complicated pregnancies. The samples represented (i) maternal blood DNA drawn from healthy pregnant women during 1st or 2nd trimester and (ii) maternal and paternal blood DNA drawn at term pregnancy cases representing normal and complicated gestations (severe preeclampsia, PE; gestational diabetes, GD; small-for-gestational age newborn, SGA; large-for-gestational age newborn, LGA). We performed CNV calling based on genome-wide genotyping dataset (Illumina HumanOmniExpress-24-v1 BeadChip) by applying three algorithms, QuantiSNP, GADA (Genome Alteration Detection Algorithm) and CNstream in parallel. The acquired CNV calls were merged with HD-CNV (Hotspot Detector for Copy Number Variants) program and only the CNVs predicted by at least two programs, were considered in subsequent analysis.

Institute of Molecular and Cell Biology, University of Tartu
No classification provided. Condition: Preeclampsia. Review status: no classification provided. Collection method: case-control. Allele origin: unknown. Affected: yes. Study: Kasak2014.
Comment: the same text as in the submission from Institute of Molecular and Cell Biology, University of Tartu above.

Institute of Molecular and Cell Biology, University of Tartu
No classification provided. Condition: Gestational diabetes mellitus uncontrolled. Review status: no classification provided. Collection method: case-control. Allele origin: unknown. Affected: yes. Study: Kasak2014.
Comment: the same text as in the submission from Institute of Molecular and Cell Biology, University of Tartu above.

Literature cited by the submitters: PubMed 25666259.

Single allele

Genes: LINC02112 (long intergenic non-protein coding RNA 2112; minus strand), TAS2R1 (taste 2 receptor member 1; minus strand). Cytogenetic location: 5p15.2.
Variant type: Deletion.
Identifiers: ClinVar variation 156966 (VCV000156966.2).